The following is an entry in ClinVar:

ClinVar aggregate classification (germline): Uncertain significance. Review status: criteria provided, multiple submitters, no conflicts (2 of 4 stars). 3 submissions from 3 submitters: Uncertain significance (3). Last evaluated 2026-01-19.

Conditions:
NEFH-related disorder. Also called: NEFH-related condition.
Inborn genetic diseases. Identifiers: MedGen C0950123, MeSH D030342.

Allele frequency attached by ClinVar (database versions not stated): gnomAD exomes 0.00001 and 0.00002; ExAC 0.00002; gnomAD 0.00003; TOPMed 0.00003; ESP Exome Variant Server 0.00015.

Submissions (3):

Labcorp Genetics (formerly Invitae), Labcorp
Classification: Uncertain significance. Last evaluated: 2026-01-19. Review status: criteria provided, single submitter. Criteria: Invitae Variant Classification Sherloc (09022015). Collection method: clinical testing. Allele origin: germline.
Comment: This sequence change replaces lysine, which is basic and polar, with glutamic acid, which is acidic and polar, at codon 821 of the NEFH protein (p.Lys821Glu). This variant is present in population databases (rs368079739, gnomAD 0.004%). This variant has not been reported in the literature in individuals affected with NEFH-related conditions. ClinVar contains an entry for this variant (Variation ID: 1431928). Invitae Evidence Modeling of protein sequence and biophysical properties (such as structural, functional, and spatial information, amino acid conservation, physicochemical variation, residue mobility, and thermodynamic stability) indicates that this missense variant is not expected to disrupt NEFH protein function with a negative predictive value of 95%. In summary, the available evidence is currently insufficient to determine the role of this variant in disease. Therefore, it has been classified as a Variant of Uncertain Significance.

PreventionGenetics, part of Exact Sciences
Classification: Uncertain significance for NEFH-related condition. Last evaluated: 2025-06-24. Review status: criteria provided, single submitter. Criteria: ACMG Guidelines, 2015. Collection method: clinical testing. Allele origin: germline.
Comment: The NEFH c.2461A>G variant is predicted to result in the amino acid substitution p.Lys821Glu. This variant was reported in a large cohort study of individuals with amyotrophic lateral sclerosis; however, additional support for pathogenicity was not provided (eTable 1, Grassano et al. 2022. PubMed ID: 35896380). This variant is reported in 0.0026% of alleles in individuals of European (non-Finnish) descent in gnomAD. At this time, the clinical significance of this variant is uncertain due to the absence of conclusive functional and genetic evidence.

Ambry Genetics
Classification: Uncertain significance for Inborn genetic diseases. Last evaluated: 2019-11-12. Review status: criteria provided, single submitter. Criteria: Ambry Variant Classification Scheme 2023. Collection method: clinical testing. Allele origin: germline.
Comment: The p.K821E variant (also known as c.2461A>G), located in coding exon 4 of the NEFH gene, results from an A to G substitution at nucleotide position 2461. The lysine at codon 821 is replaced by glutamic acid, an amino acid with similar properties. This amino acid position is well conserved in available vertebrate species. In addition, the in silico prediction for this alteration is inconclusive. Since supporting evidence is limited at this time, the clinical significance of this alteration remains unclear.

NM_021076.4(NEFH):c.2461A>G (p.Lys821Glu)

Gene: NEFH (neurofilament heavy chain; plus strand). Cytogenetic location: 22q12.2.
Variant type: single nucleotide variant.
Coding change: c.2461A>G on transcript NM_021076.4 (MANE Select); coding-DNA position 2461, A replaced by G.
Protein change: p.Lys821Glu; replaces lysine 821 with glutamic acid.
Molecular consequence: missense variant.
Genome position (GRCh38, 1-based): chr22:29,490,101, A>G. VCF-style: chr22-29490101-A-G. GRCh37 (hg19) VCF-style: chr22-29886090-A-G.
Other names: short protein forms K821E.
Identifiers: ClinVar variation 1431928 (VCV001431928.9), dbSNP rs368079739, ClinGen allele CA10174432.